The following is an entry in ClinVar:

NM_006231.4(POLE):c.4028G>C (p.Gly1343Ala)

Gene: POLE (DNA polymerase epsilon, catalytic subunit; minus strand). Cytogenetic location: 12q24.33.
Variant type: single nucleotide variant.
Coding change: c.4028G>C on transcript NM_006231.4 (MANE Select); coding-DNA position 4028, G replaced by C.
Protein change: p.Gly1343Ala; replaces glycine 1343 with alanine.
Molecular consequence: missense variant.
Genome position (GRCh38, 1-based): chr12:132,649,050, C>G on the plus strand (G>C on the coding strand, the complement: POLE is on the minus strand). VCF-style: chr12-132649050-C-G. GRCh37 (hg19) VCF-style: chr12-133225636-C-G.
Other names: short protein forms G1343A.
Identifiers: ClinVar variation 1406173 (VCV001406173.8), dbSNP rs2138599784, ClinGen allele CA387383968.

ClinVar aggregate classification (germline): Uncertain significance (1 of 4 stars; one submission).

Submission:

Labcorp Genetics (formerly Invitae), Labcorp
Classification: Uncertain significance. Last evaluated: 2023-12-14. Review status: criteria provided, single submitter. Criteria: Invitae Variant Classification Sherloc (09022015). Collection method: clinical testing. Allele origin: germline.
Comment: This sequence change replaces glycine, which is neutral and non-polar, with alanine, which is neutral and non-polar, at codon 1343 of the POLE protein (p.Gly1343Ala). This variant is not present in population databases (gnomAD no frequency). This variant has not been reported in the literature in individuals affected with POLE-related conditions. ClinVar contains an entry for this variant (Variation ID: 1406173). Advanced modeling of protein sequence and biophysical properties (such as structural, functional, and spatial information, amino acid conservation, physicochemical variation, residue mobility, and thermodynamic stability) performed at Invitae indicates that this missense variant is expected to disrupt POLE protein function with a positive predictive value of 80%. In summary, the available evidence is currently insufficient to determine the role of this variant in disease. Therefore, it has been classified as a Variant of Uncertain Significance.